The following is an entry in ClinVar:

NM_000064.4(C3):c.3859C>T (p.Pro1287Ser)

Gene: C3 (complement C3; minus strand). Cytogenetic location: 19p13.3.
Variant type: single nucleotide variant.
Coding change: c.3859C>T on transcript NM_000064.4 (MANE Select); coding-DNA position 3859, C replaced by T.
Protein change: p.Pro1287Ser; replaces proline 1287 with serine.
Molecular consequence: missense variant.
Genome position (GRCh38, 1-based): chr19:6,685,098, G>A on the plus strand (C>T on the coding strand, the complement: C3 is on the minus strand). VCF-style: chr19-6685098-G-A. GRCh37 (hg19) VCF-style: chr19-6685109-G-A.
Other names: short protein forms P1287S.
Identifiers: ClinVar variation 429614 (VCV000429614.9), dbSNP rs1131691494, ClinGen allele CA403618493.
Genomic context (GRCh38, chr19:6,685,098, plus strand): 5'-TCTTGGAGCTGCGGCTGGGCAGTTGGAGGGACACATCAAGGTTCAGTTCCTGGTGGTCAG[G>A]GGCGTCCTTTTGGTATTGAGCCAAGGCTTGGAACACCATGAAGGTGGCCTAGAACCCACA-3'
Protein context (NP_000055.2, residues 1277-1297): QALAQYQKDA[Pro1287Ser]DHQELNLDVS

ClinVar aggregate classification (germline): Uncertain significance. Review status: criteria provided, multiple submitters, no conflicts (2 of 4 stars). 2 submissions from 2 submitters: Uncertain significance (2). Last evaluated 2021-03-27.

Allele frequency attached by ClinVar (database versions not stated): gnomAD exomes below 0.00001.
gnomAD v4.1: 1 of 1,614,078 alleles (0.000062%); highest among the groups gnomAD compares: Non-Finnish European, 0.000085%; no homozygotes.

Submissions (2):

Labcorp Genetics (formerly Invitae), Labcorp
Classification: Uncertain significance. Last evaluated: 2021-03-27. Review status: criteria provided, single submitter. Criteria: Invitae Variant Classification Sherloc (09022015). Collection method: clinical testing. Allele origin: germline.
Comment: This sequence change replaces proline with serine at codon 1287 of the C3 protein (p.Pro1287Ser). The proline residue is highly conserved and there is a moderate physicochemical difference between proline and serine. In summary, the available evidence is currently insufficient to determine the role of this variant in disease. Therefore, it has been classified as a Variant of Uncertain Significance. Algorithms developed to predict the effect of missense changes on protein structure and function (SIFT, PolyPhen-2, Align-GVGD) all suggest that this variant is likely to be tolerated, but these predictions have not been confirmed by published functional studies and their clinical significance is uncertain. This variant has not been reported in the literature in individuals with C3-related conditions. ClinVar contains an entry for this variant (Variation ID: 429614). This variant is not present in population databases (ExAC no frequency).

GeneDx
Classification: Uncertain significance. Last evaluated: 2017-05-08. Review status: criteria provided, single submitter. Criteria: GeneDx Variant Classification (06012015). Collection method: clinical testing. Allele origin: germline. Affected: yes.
Comment: The P1287S variant in the C3 gene has not been reported previously as a pathogenic variant, nor as a benign variant, to our knowledge. The P1287S variant is not observed in large population cohorts (Lek et al., 2016; 1000 Genomes Consortium et al., 2015; Exome Variant Server). The P1287S variant is a non-conservative amino acid substitution, which is likely to impact secondary protein structure as these residues differ in polarity, charge, size and/or other properties. This substitution occurs at a position that is conserved in mammals. In silico analysis is inconsistent in its predictions as to whether or not the variant is damaging to the protein structure/function. We interpret P1287S as a variant of uncertain significance.